The following is an entry in ClinVar:

NM_016239.4(MYO15A):c.5060C>T (p.Pro1687Leu)

Gene: MYO15A (myosin XVA; plus strand). Cytogenetic location: 17p11.2.
Variant type: single nucleotide variant.
Coding change: c.5060C>T on transcript NM_016239.4 (MANE Select); coding-DNA position 5060, C replaced by T.
Protein change: p.Pro1687Leu; replaces proline 1687 with leucine.
Molecular consequence: missense variant.
Genome position (GRCh38, 1-based): chr17:18,138,863, C>T. VCF-style: chr17-18138863-C-T. GRCh37 (hg19) VCF-style: chr17-18042177-C-T.
Other names: short protein forms P1687L.
Identifiers: ClinVar variation 500192 (VCV000500192.21), dbSNP rs58625281, ClinGen allele CA8424125.

ClinVar aggregate classification (germline): Conflicting classifications of pathogenicity. Review status: criteria provided, conflicting classifications (1 of 4 stars). 6 submissions from 6 submitters: Uncertain significance (3); Likely benign (3). Last evaluated 2025-06-23.

Conditions:
MYO15A-related disorder. Also called: MYO15A-related condition.
Autosomal recessive nonsyndromic hearing loss 3. Also called: NEUROSENSORY NONSYNDROMIC RECESSIVE DEAFNESS 3. Identifiers: Orphanet 90636, MedGen C1838263, MONDO:0010860, OMIM 600316.

Allele frequency attached by ClinVar (database versions not stated): gnomAD exomes 0.00009 and 0.00022; ExAC 0.00028; ESP Exome Variant Server 0.00048; gnomAD 0.00082 and 0.00087; TOPMed 0.00095; 1000 Genomes Project 0.00120; 1000 Genomes Project 30x 0.00125.
gnomAD v4.1: 255 of 1,613,760 alleles (0.016%); highest among the groups gnomAD compares: African/African-American, 0.27%; 1 homozygote.

Submissions (6):

Labcorp Genetics (formerly Invitae), Labcorp
Classification: Likely benign. Last evaluated: 2025-06-23. Review status: criteria provided, single submitter. Criteria: Invitae Variant Classification Sherloc (09022015). Collection method: clinical testing. Allele origin: germline.

PreventionGenetics, part of Exact Sciences
Classification: Likely benign for MYO15A-related condition. Last evaluated: 2024-11-27. Review status: criteria provided, single submitter. Criteria: ACMG Guidelines, 2015. Collection method: clinical testing. Allele origin: germline.
Comment: This variant is classified as likely benign based on ACMG/AMP sequence variant interpretation guidelines (Richards et al. 2015 PMID: 25741868, with internal and published modifications).

Blueprint Genetics
Classification: Uncertain significance. Last evaluated: 2024-03-09. Review status: criteria provided, single submitter. Criteria: ACMG Guidelines, 2015. Collection method: clinical testing. Allele origin: germline.

GeneDx
Classification: Likely benign. Last evaluated: 2021-06-10. Review status: criteria provided, single submitter. Criteria: GeneDx Variant Classification Process June 2021. Collection method: clinical testing. Allele origin: germline. Affected: yes.

ARUP Laboratories, Molecular Genetics and Genomics, ARUP Laboratories
Classification: Uncertain significance for Autosomal recessive nonsyndromic hearing loss 3. Last evaluated: 2018-09-14. Review status: criteria provided, single submitter. Criteria: ARUP Molecular Germline Variant Investigation Process. Collection method: clinical testing. Allele origin: germline.
Comment: The MYO15A c.5060C>T; p.Pro1687Leu variant (rs58625281), to our knowledge, is not reported in the medical literature but is reported in ClinVar (Variation ID: 500192). This variant is found in the African population with an overall allele frequency of 0.27% (64/23,850 alleles) in the Genome Aggregation Database. The MYO15A at codon 1687 is highly conserved, and computational analyses (SIFT, PolyPhen-2) predict that this variant is deleterious. Due to limited information, the clinical significance of the p.Pro1687Leu variant is uncertain at this time.

Eurofins Ntd Llc (ga)
Classification: Uncertain significance. Last evaluated: 2017-02-21. Review status: criteria provided, single submitter. Criteria: EGL Classification Definitions 2015. Collection method: clinical testing. Allele origin: germline. Observed: 1 variant allele, 1 heterozygote.